The following is an entry in ClinVar:

ClinVar aggregate classification (germline): Uncertain significance (1 of 4 stars; one submission).

Conditions:
Perlman syndrome (PRLMNS). Identifiers: Orphanet 2849, MedGen C0796113, MONDO:0009965, OMIM 267000.

Submission:

Labcorp Genetics (formerly Invitae), Labcorp
Classification: Uncertain significance for Perlman syndrome. Last evaluated: 2021-01-12. Review status: criteria provided, single submitter. Criteria: Invitae Variant Classification Sherloc (09022015). Collection method: clinical testing. Allele origin: germline.
Comment: In summary, the available evidence is currently insufficient to determine the role of this variant in disease. Therefore, it has been classified as a Variant of Uncertain Significance. Algorithms developed to predict the effect of missense changes on protein structure and function are either unavailable or do not agree on the potential impact of this missense change (SIFT: "Tolerated"; PolyPhen-2: "Possibly Damaging"; Align-GVGD: "Class C0"). This variant has not been reported in the literature in individuals with DIS3L2-related conditions. This variant is not present in population databases (ExAC no frequency). This sequence change replaces aspartic acid with tyrosine at codon 171 of the DIS3L2 protein (p.Asp171Tyr). The aspartic acid residue is moderately conserved and there is a large physicochemical difference between aspartic acid and tyrosine.

NM_152383.5(DIS3L2):c.511G>T (p.Asp171Tyr)

Gene: DIS3L2 (DIS3 like 3'-5' exoribonuclease 2; plus strand). Cytogenetic location: 2q37.1.
Variant type: single nucleotide variant.
Coding change: c.511G>T on transcript NM_152383.5 (MANE Select); coding-DNA position 511, G replaced by T.
Protein change: p.Asp171Tyr; replaces aspartic acid 171 with tyrosine.
Molecular consequence: missense variant. On other transcripts: non-coding transcript variant (2).
Genome position (GRCh38, 1-based): chr2:232,087,631, G>T. VCF-style: chr2-232087631-G-T. GRCh37 (hg19) VCF-style: chr2-232952341-G-T.
Other names: c.511G>T, p.Asp171Tyr (NM_001257281.2, NM_001257282.2); short protein forms D171Y.
Identifiers: ClinVar variation 1473070 (VCV001473070.8), dbSNP rs2106309537, ClinGen allele CA351155140.